The following is an entry in ClinVar:

NM_017534.6(MYH2):c.4603A>G (p.Ile1535Val)

Genes: MYHAS (myosin heavy chain gene cluster antisense RNA; plus strand), MYH2 (myosin heavy chain 2; minus strand), LOC126862500 (BRD4-independent group 4 enhancer GRCh37_chr17:10427829-10429028; plus strand). Cytogenetic location: 17p13.1.
Variant type: single nucleotide variant.
Coding change: c.4603A>G on transcript NM_017534.6 (MANE Select); coding-DNA position 4603, A replaced by G.
Protein change: p.Ile1535Val; replaces isoleucine 1535 with valine.
Molecular consequence: missense variant.
Genome position (GRCh38, 1-based): chr17:10,525,283, T>C on the plus strand (A>G on the coding strand, the complement: MYH2 is on the minus strand). VCF-style: chr17-10525283-T-C. GRCh37 (hg19) VCF-style: chr17-10428600-T-C.
Other names: c.4603A>G, p.Ile1535Val (NM_001100112.2); short protein forms I1535V.
Identifiers: ClinVar variation 1015483 (VCV001015483.5), dbSNP rs2073336612, ClinGen allele CA398124774.
Genomic context (GRCh38, chr17:10,525,283, plus strand): 5'-CCTCTGCTTCTTCTAAAGCAGCCTGAAGTTCACACTTTTCTTGTTCCACTTGTTTCTTTA[T>C]TTTCTCCAGTTCATGGATACGTTTCCCTCCTTCTGCAATCTGTTCCGTGAGGTCAGAAAT-3'
Protein context (NP_060004.3, residues 1525-1545): GGKRIHELEK[Ile1535Val]KKQVEQEKCE

ClinVar aggregate classification (germline): Uncertain significance (1 of 4 stars; one submission).

Conditions:
Myopathy, proximal, and ophthalmoplegia (CMYO6). Also called: MYOPATHY WITH CONGENITAL JOINT CONTRACTURES, OPHTHALMOPLEGIA, AND RIMMED VACUOLES; INCLUSION BODY MYOPATHY 3, AUTOSOMAL DOMINANT; CONGENITAL MYOPATHY 6 WITH OPHTHALMOPLEGIA. Identifiers: Orphanet 363677, Orphanet 79091, MedGen C1854106, MONDO:0011577, OMIM 605637.

Allele frequency attached by ClinVar (database versions not stated): gnomAD exomes 0.00001.
gnomAD v4.1: 10 of 1,614,174 alleles (0.00062%); highest among the groups gnomAD compares: Non-Finnish European, 0.00076%; no homozygotes.

Submission:

Labcorp Genetics (formerly Invitae), Labcorp
Classification: Uncertain significance for Myopathy, proximal, and ophthalmoplegia. Last evaluated: 2020-08-27. Review status: criteria provided, single submitter. Criteria: Invitae Variant Classification Sherloc (09022015). Collection method: clinical testing. Allele origin: germline.
Comment: This sequence change replaces isoleucine with valine at codon 1535 of the MYH2 protein (p.Ile1535Val). The isoleucine residue is highly conserved and there is a small physicochemical difference between isoleucine and valine. This variant is not present in population databases (ExAC no frequency). This variant has not been reported in the literature in individuals with MYH2-related conditions. Algorithms developed to predict the effect of missense changes on protein structure and function (SIFT, PolyPhen-2, Align-GVGD) all suggest that this variant is likely to be tolerated, but these predictions have not been confirmed by published functional studies and their clinical significance is uncertain. Algorithms developed to predict the effect of sequence changes on RNA splicing suggest that this variant may create or strengthen a splice site, but this prediction has not been confirmed by published transcriptional studies. In summary, the available evidence is currently insufficient to determine the role of this variant in disease. Therefore, it has been classified as a Variant of Uncertain Significance.